The following is an entry in ClinVar:

ClinVar aggregate classification (germline): Uncertain significance. Review status: criteria provided, multiple submitters, no conflicts (2 of 4 stars). 2 submissions from 2 submitters: Uncertain significance (2). Last evaluated 2025-02-19.

gnomAD v4.1: 3 of 1,613,800 alleles (0.00019%); highest among the groups gnomAD compares: Admixed American, 0.005%; no homozygotes.

Submissions (2):

Labcorp Genetics (formerly Invitae), Labcorp
Classification: Uncertain significance. Last evaluated: 2025-02-19. Review status: criteria provided, single submitter. Criteria: Invitae Variant Classification Sherloc (09022015). Collection method: clinical testing. Allele origin: germline.
Comment: This sequence change replaces arginine, which is basic and polar, with serine, which is neutral and polar, at codon 420 of the KIZ protein (p.Arg420Ser). This variant is present in population databases (no rsID available, gnomAD 0.009%). This variant has not been reported in the literature in individuals affected with KIZ-related conditions. ClinVar contains an entry for this variant (Variation ID: 3534746). Experimental studies and prediction algorithms are not available or were not evaluated, and the functional significance of this variant is currently unknown. In summary, the available evidence is currently insufficient to determine the role of this variant in disease. Therefore, it has been classified as a Variant of Uncertain Significance.

Ambry Genetics
Classification: Uncertain significance. Last evaluated: 2024-10-08. Review status: criteria provided, single submitter. Criteria: Ambry Variant Classification Scheme 2023. Collection method: clinical testing. Allele origin: germline.

NM_018474.6(KIZ):c.1260A>C (p.Arg420Ser)

Gene: KIZ (kizuna centrosomal protein; plus strand). Cytogenetic location: 20p11.23.
Variant type: single nucleotide variant.
Coding change: c.1260A>C on transcript NM_018474.6 (MANE Select); coding-DNA position 1260, A replaced by C.
Protein change: p.Arg420Ser; replaces arginine 420 with serine.
Molecular consequence: missense variant.
Genome position (GRCh38, 1-based): chr20:21,163,067, A>C. VCF-style: chr20-21163067-A-C. GRCh37 (hg19) VCF-style: chr20-21143708-A-C.
Other names: c.951A>C, p.Arg317Ser (NM_001163022.3, NM_001352435.2); c.861A>C, p.Arg287Ser (NM_001163023.3); c.1113A>C, p.Arg371Ser (NM_001276389.2); c.1260A>C, p.Arg420Ser (NM_001352434.2); c.918A>C, p.Arg306Ser (NM_001352436.2); short protein forms R287S, R317S, R371S, R420S, R306S.
Identifiers: ClinVar variation 3534746 (VCV003534746.2).